The following is an entry in ClinVar:

NM_020877.5(DNAH2):c.8231-12C>T

Gene: DNAH2 (dynein axonemal heavy chain 2; plus strand). Cytogenetic location: 17p13.1.
Variant type: single nucleotide variant.
Coding change: c.8231-12C>T on transcript NM_020877.5 (MANE Select); 12 bases into the intron before coding-DNA position 8231, C replaced by T.
Molecular consequence: intron variant.
Genome position (GRCh38, 1-based): chr17:7,798,145, C>T. VCF-style: chr17-7798145-C-T. GRCh37 (hg19) VCF-style: chr17-7701463-C-T.
Identifiers: ClinVar variation 3387962 (VCV003387962.14).
Genomic context (GRCh38, chr17:7,798,145, plus strand): 5'-CTAGCCTAGGGCCTGGAGGTCCCCTGAGTTTGCTCAGCCAACTCATTACCCTCACACCCA[C>T]CCCACCCCCAGTCACACGGATCGTGCGGGTCATTGGACAGCCTCGGGGCAACATGCTCCT-3'

ClinVar aggregate classification (germline): Likely benign (1 of 4 stars; one submission).

gnomAD v4.1: 13,336 of 1,579,598 alleles (0.84%); highest among the groups gnomAD compares: Non-Finnish European, 0.87%; 100 homozygotes.

Submission:

CeGaT Center for Human Genetics Tuebingen
Classification: Likely benign. Last evaluated: 2026-08-01. Review status: criteria provided, single submitter. Criteria: CeGaT Center For Human Genetics Tuebingen Variant Classification Criteria Version 2. Collection method: clinical testing. Allele origin: germline. Affected: yes. Observed: 3 variant alleles.
Comment: DNAH2: BS2